The following is an entry in ClinVar:

NC_000008.11:g.80030027GGGCTCCACCTTCTGTAG[5]

Genes: MRPS28 (mitochondrial ribosomal protein S28; minus strand), TPD52-MRPS28 (TPD52-MRPS28 readthrough; minus strand), LOC130000644 (ATAC-STARR-seq lymphoblastoid active region 27552; plus strand). Cytogenetic location: 8q21.13.
Variant type: Microsatellite.
Molecular consequence: intron variant (on NM_001387778.1).
Genome position: GRCh38, VCF-style position (the base before the change): chr8:80,030,026. GRCh37 (hg19), VCF-style position (the base before the change): chr8:80,942,261.
Other names: c.435+12558CTACAGAAGGTGGAGCCC[5] (NM_001387778.1).
Identifiers: ClinVar variation 2673154 (VCV002673154.23), ClinGen allele CA4790029.

ClinVar aggregate classification (germline): Likely benign (1 of 4 stars; one submission).

Submission:

CeGaT Center for Human Genetics Tuebingen
Classification: Likely benign. Last evaluated: 2023-11-01. Review status: criteria provided, single submitter. Criteria: CeGaT Center For Human Genetics Tuebingen Variant Classification Criteria Version 2. Collection method: clinical testing. Allele origin: germline. Affected: yes. Observed: 1 variant allele.
Comment: MRPS28: BS2